The following is an entry in ClinVar:

NM_000273.3(GPR143):c.766del (p.Cys256fs)

Gene: GPR143 (G protein-coupled receptor 143; minus strand). Cytogenetic location: Xp22.2.
Variant type: Deletion.
Coding change: c.766del on transcript NM_000273.3 (MANE Select); coding-DNA position 766, one base deleted (T; older notation c.766delT).
Protein change: p.Cys256fs; shifts the reading frame from cysteine 256.
Molecular consequence: frameshift variant.
Genome position (GRCh38, 1-based): chrX:9,743,566, A deleted on the plus strand (T on the coding strand, the reverse complement: GPR143 is on the minus strand); the first of 3 consecutive A bases (chrX:9,743,566-9,743,568); deleting any one gives the same sequence. VCF-style (leftmost placement, unchanged base first): chrX-9743565-CA-C. GRCh37 (hg19) VCF-style: chrX-9711605-CA-C.
Other names: short protein forms C256fs.
Identifiers: ClinVar variation 2053463 (VCV002053463.4), dbSNP rs2518626710, ClinGen allele CA2580101975.

ClinVar aggregate classification (germline): Pathogenic (1 of 4 stars; one submission).

Submission:

Labcorp Genetics (formerly Invitae), Labcorp
Classification: Pathogenic. Last evaluated: 2022-02-25. Review status: criteria provided, single submitter. Criteria: Invitae Variant Classification Sherloc (09022015). Collection method: clinical testing. Allele origin: germline.
Comment: This sequence change creates a premature translational stop signal (p.Cys256Valfs*26) in the GPR143 gene. It is expected to result in an absent or disrupted protein product. Loss-of-function variants in GPR143 are known to be pathogenic (PMID: 15965158, 18978956, 19390656, 21541274, 26160353, 28211458). This variant is not present in population databases (gnomAD no frequency). This variant has not been reported in the literature in individuals affected with GPR143-related conditions. For these reasons, this variant has been classified as Pathogenic.

Literature cited by the submitters: PubMed 15965158; PubMed 18978956; PubMed 19390656; PubMed 21541274; PubMed 26160353; PubMed 28211458.